The following is an entry in ClinVar:

NM_004415.4(DSP):c.5440_5441del (p.Ser1814fs)

Gene: DSP (desmoplakin; plus strand). Cytogenetic location: 6p24.3.
Variant type: Microsatellite.
Coding change: c.5440_5441del on transcript NM_004415.4 (MANE Select); coding-DNA positions 5440 to 5441, 2 bases deleted (AG; older notation c.5440_5441delAG).
Protein change: p.Ser1814fs; shifts the reading frame from serine 1814.
Molecular consequence: frameshift variant.
Genome position (GRCh38, 1-based): chr6:7,582,702-7,582,703, AG deleted; deleting any 2 consecutive bases within chr6:7,582,696-7,582,703 gives the same sequence; the c. name uses the placement nearest the transcript's 3' end. VCF-style (leftmost placement, unchanged base first): chr6-7582695-AAG-A. GRCh37 (hg19) VCF-style: chr6-7582928-AAG-A.
Other names: c.3643_3644del, p.Ser1215fs (NM_001008844.3); c.4111_4112del, p.Ser1371fs (NM_001319034.2); c.5434_5435AG[3], p.Ser1814Profs (NM_004415.2); c.5440_5441delAG (NM_004415.2); short protein forms S1371fs, S1215fs, S1814fs.
Identifiers: ClinVar variation 2953229 (VCV002953229.4), dbSNP rs2533935968, ClinGen allele CA2740090890.

ClinVar aggregate classification (germline): Pathogenic. Review status: criteria provided, multiple submitters, no conflicts (2 of 4 stars). 2 submissions from 2 submitters: Pathogenic (2). Last evaluated 2024-11-19.

Conditions:
Cardiovascular phenotype. Identifiers: MedGen CN230736.
Arrhythmogenic cardiomyopathy with wooly hair and keratoderma. Also called: PALMOPLANTAR KERATODERMA WITH LEFT VENTRICULAR CARDIOMYOPATHY AND WOOLLY HAIR; Carvajal syndrome; Arrhythmogenic cardiomyopathy with woolly hair and keratoderma; Dilated cardiomyopathy with woolly hair and keratoderma. Identifiers: Orphanet 65282, MedGen C1854063, MONDO:0011581, OMIM 605676.
Arrhythmogenic right ventricular dysplasia 8 (ARVD8). Also called: Arrhythmogenic Right Ventricular Dysplasia/Cardiomyopathy 8; ARRHYTHMOGENIC RIGHT VENTRICULAR DYSPLASIA, FAMILIAL, 8; ARRHYTHMOGENIC RIGHT VENTRICULAR CARDIOMYOPATHY 8. Identifiers: MedGen C1843896, MONDO:0011831, OMIM 607450.

Submissions (2):

Ambry Genetics
Classification: Pathogenic for Cardiovascular phenotype. Last evaluated: 2024-11-19. Review status: criteria provided, single submitter. Criteria: Ambry Variant Classification Scheme 2023. Collection method: clinical testing. Allele origin: germline.
Comment: The c.5440_5441delAG pathogenic mutation, located in coding exon 24 of the DSP gene, results from a deletion of two nucleotides at nucleotide positions 5440 to 5441, causing a translational frameshift with a predicted alternate stop codon (p.S1814Pfs*21). This variant is considered to be rare based on population cohorts in the Genome Aggregation Database (gnomAD). This alteration is expected to result in loss of function by premature protein truncation or nonsense-mediated mRNA decay. As such, this alteration is interpreted as a disease-causing mutation.

Labcorp Genetics (formerly Invitae), Labcorp
Classification: Pathogenic for Arrhythmogenic cardiomyopathy with wooly hair and keratoderma; Arrhythmogenic right ventricular dysplasia 8. Last evaluated: 2023-12-27. Review status: criteria provided, single submitter. Criteria: Invitae Variant Classification Sherloc (09022015). Collection method: clinical testing. Allele origin: germline.
Comment: This sequence change creates a premature translational stop signal (p.Ser1814Profs*21) in the DSP gene. While this is not anticipated to result in nonsense mediated decay, it is expected to disrupt the last 1058 amino acid(s) of the DSP protein. This variant is not present in population databases (gnomAD no frequency). This variant has not been reported in the literature in individuals affected with DSP-related conditions. This variant disrupts a region of the DSP protein in which other variant(s) (p.Thr2634Lysfs*4) have been determined to be pathogenic (PMID: 11063735, 23671136, 27532257). This suggests that this is a clinically significant region of the protein, and that variants that disrupt it are likely to be disease-causing. For these reasons, this variant has been classified as Pathogenic.

Literature cited by the submitters: PubMed 11063735 (cited by Labcorp Genetics (formerly Invitae), Labcorp); PubMed 23671136 (cited by Labcorp Genetics (formerly Invitae), Labcorp); PubMed 27532257 (cited by Labcorp Genetics (formerly Invitae), Labcorp).